The following is an entry in ClinVar:

NM_021098.3(CACNA1H):c.3439A>G (p.Ser1147Gly)

Gene: CACNA1H (calcium voltage-gated channel subunit alpha1 H; plus strand). Cytogenetic location: 16p13.3.
Variant type: single nucleotide variant.
Coding change: c.3439A>G on transcript NM_021098.3 (MANE Select); coding-DNA position 3439, A replaced by G.
Protein change: p.Ser1147Gly; replaces serine 1147 with glycine.
Molecular consequence: missense variant.
Genome position (GRCh38, 1-based): chr16:1,209,107, A>G. VCF-style: chr16-1209107-A-G. GRCh37 (hg19) VCF-style: chr16-1259107-A-G.
Other names: c.3439A>G, p.Ser1147Gly (NM_001005407.2); short protein forms S1147G.
Identifiers: ClinVar variation 446950 (VCV000446950.14), dbSNP rs780122141, ClinGen allele CA7800767.

ClinVar aggregate classification (germline): Conflicting classifications of pathogenicity. Review status: criteria provided, conflicting classifications (1 of 4 stars). 4 submissions from 4 submitters: Uncertain significance (1); Benign (2). 1 of the submissions does not count toward it. Last evaluated 2026-01-06.

Conditions:
Hyperaldosteronism, familial, type IV (HALD4). Also called: FH IV; ALDOSTERONISM, PRIMARY, AND HYPERTENSION. Identifiers: Orphanet 642671, MedGen C4310756, MONDO:0014875, OMIM 617027.
Idiopathic generalized epilepsy. Also called: Generalised epilepsy; EIG. Identifiers: MedGen C0270850, MONDO:0005579, OMIM 600669.
Inborn genetic diseases. Identifiers: MedGen C0950123, MeSH D030342.
CACNA1H-related disorder.

Allele frequency attached by ClinVar (database versions not stated): gnomAD 0.00007 and 0.00008; gnomAD exomes 0.00013 and 0.00095; TOPMed 0.00028; ExAC 0.00092.
gnomAD v4.1: 189 of 1,556,052 alleles (0.012%); highest among the groups gnomAD compares: Admixed American, 0.36%; no homozygotes.

Submissions (4):

Labcorp Genetics (formerly Invitae), Labcorp
Classification: Benign for Idiopathic generalized epilepsy; Hyperaldosteronism, familial, type IV. Last evaluated: 2026-01-06. Review status: criteria provided, single submitter. Criteria: Invitae Variant Classification Sherloc (09022015). Collection method: clinical testing. Allele origin: germline.

Ambry Genetics
Classification: Uncertain significance for Inborn genetic diseases. Last evaluated: 2024-05-24. Review status: criteria provided, single submitter. Criteria: Ambry Variant Classification Scheme 2023. Collection method: clinical testing. Allele origin: germline.

Athena Diagnostics
Classification: Benign. Last evaluated: 2024-01-02. Review status: criteria provided, single submitter. Criteria: Athena Diagnostics Criteria. Collection method: clinical testing. Allele origin: unknown.

PreventionGenetics, part of Exact Sciences
Classification: Benign for CACNA1H-related condition. Last evaluated: 2024-08-08. Review status: no assertion criteria provided. Collection method: clinical testing. Allele origin: germline. Not counted in ClinVar's aggregate classification.
Comment: This variant is classified as benign based on ACMG/AMP sequence variant interpretation guidelines (Richards et al. 2015 PMID: 25741868, with internal and published modifications).